The following is an entry in ClinVar:

ClinVar aggregate classification (germline): Likely pathogenic (1 of 4 stars; one submission).

Conditions:
Peutz-Jeghers syndrome (PJS). Also called: POLYPOSIS, HAMARTOMATOUS INTESTINAL; POLYPS-AND-SPOTS SYNDROME; Peutz-Jeghers polyposis; Periorificial lentiginosis syndrome. Identifiers: Orphanet 2869, MedGen C0031269, MeSH D010580, MONDO:0008280, OMIM 175200.

Submission:

Labcorp Genetics (formerly Invitae), Labcorp
Classification: Likely pathogenic for Peutz-Jeghers syndrome. Last evaluated: 2024-07-16. Review status: criteria provided, single submitter. Criteria: Invitae Variant Classification Sherloc (09022015). Collection method: clinical testing. Allele origin: germline.
Comment: This sequence change affects an acceptor splice site in intron 6 of the STK11 gene. It is expected to disrupt RNA splicing. Variants that disrupt the donor or acceptor splice site typically lead to a loss of protein function (PMID: 16199547), and loss-of-function variants in STK11 are known to be pathogenic (PMID: 15188174, 16287113). This variant is not present in population databases (gnomAD no frequency). Disruption of this splice site has been observed in individual(s) with Peutz-Jeghers syndrome (PMID: 26979979). Algorithms developed to predict the effect of sequence changes on RNA splicing suggest that this variant may disrupt the consensus splice site. In summary, the currently available evidence indicates that the variant is pathogenic, but additional data are needed to prove that conclusively. Therefore, this variant has been classified as Likely Pathogenic.

Literature cited by the submitters: PubMed 16199547; PubMed 15188174; PubMed 16287113; PubMed 26979979.

NM_000455.5(STK11):c.863-1G>T

Gene: STK11 (serine/threonine kinase 11; plus strand). Cytogenetic location: 19p13.3.
Variant type: single nucleotide variant.
Coding change: c.863-1G>T on transcript NM_000455.5 (MANE Select); the canonical splice acceptor site of the intron before coding-DNA position 863, G replaced by T.
Molecular consequence: splice acceptor variant.
Genome position (GRCh38, 1-based): chr19:1,221,948, G>T. VCF-style: chr19-1221948-G-T. GRCh37 (hg19) VCF-style: chr19-1221947-G-T.
Other names: c.863-1G>T (NM_001407255.1).
Identifiers: ClinVar variation 3659590 (VCV003659590.2).